The following is an entry in ClinVar:

ClinVar aggregate classification (germline): Uncertain significance (1 of 4 stars; one submission).

Conditions:
ERCC6-related disorder. Also called: ERCC6-related condition; ERCC6-related disorders. Identifiers: MedGen CN239385.

gnomAD v4.1: 45 of 1,614,092 alleles (0.0028%); highest among the groups gnomAD compares: Non-Finnish European, 0.0035%; no homozygotes.

Submission:

PreventionGenetics, part of Exact Sciences
Classification: Uncertain significance for ERCC6-related condition. Last evaluated: 2026-02-19. Review status: criteria provided, single submitter. Criteria: ACMG Guidelines, 2015. Collection method: clinical testing. Allele origin: germline.
Comment: The ERCC6 c.2503A>G variant is predicted to result in the amino acid substitution p.Met835Val. To our knowledge, this variant has not been reported in the literature. This variant is reported in 0.0054% of alleles in individuals of East Asian descent in gnomAD. At this time, the clinical significance of this variant is uncertain due to the absence of conclusive functional and genetic evidence.

NM_001277058.2(ERCC6):c.2503A>G (p.Met835Val)

Genes: ERCC6 (ERCC excision repair 6, chromatin remodeling factor; minus strand), PGBD3 (piggyBac transposable element derived 3; minus strand). Cytogenetic location: 10q11.23.
Variant type: single nucleotide variant.
Coding change: c.2503A>G on transcript NM_001277058.2 (MANE Plus Clinical); coding-DNA position 2503, A replaced by G.
Protein change: p.Met835Val; replaces methionine 835 with valine.
Molecular consequence: missense variant. On other transcripts: intron variant (2).
Genome position (GRCh38, 1-based): chr10:49,516,016, T>C on the plus strand (A>G on the coding strand, the complement: ERCC6 is on the minus strand). VCF-style: chr10-49516016-T-C. GRCh37 (hg19) VCF-style: chr10-50724062-T-C.
Other names: c.2503A>G, p.Met835Val (NM_001277059.2); c.1099A>G, p.Met367Val (NM_170753.3); c.1397+8017A>G (NM_001346440.2, NM_000124.4); short protein forms M835V, M367V.
Identifiers: ClinVar variation 4989089 (VCV004989089.1).